The following is an entry in ClinVar:

NM_007294.4(BRCA1):c.3772_3776del (p.Glu1258fs)

Genes: BRCA1 (BRCA1 DNA repair associated; minus strand), LOC126862571 (BRD4-independent group 4 enhancer GRCh37_chr17:41243136-41244335; plus strand). Cytogenetic location: 17q21.31.
Variant type: Deletion.
Coding change: c.3772_3776del on transcript NM_007294.4 (MANE Select); coding-DNA positions 3772 to 3776, 5 bases deleted (GAGAA; older notation c.3772_3776delGAGAA).
Protein change: p.Glu1258fs; shifts the reading frame from glutamic acid 1258.
Molecular consequence: frameshift variant. On other transcripts: intron variant (135).
Genome position (GRCh38, 1-based): chr17:43,091,755-43,091,759, TTCTC deleted on the plus strand (GAGAA on the coding strand, the reverse complement: BRCA1 is on the minus strand). VCF-style (leftmost placement, unchanged base first): chr17-43091754-ATTCTC-A. GRCh37 (hg19) VCF-style: chr17-41243771-ATTCTC-A.
Other names: c.3559_3563del, p.Glu1187fs (NM_001407571.1, NM_001407853.1, NM_001407894.1 and 9 more transcripts); c.3772_3776del, p.Glu1258fs (NM_001407581.1, NM_001407582.1, NM_001407583.1 and 30 more transcripts); c.3769_3773del, p.Glu1257fs (NM_001407587.1, NM_001407590.1, NM_001407591.1 and 22 more transcripts); c.3763_3767del, p.Glu1255fs (NM_001407646.1, NM_001407647.1); c.3649_3653del, p.Glu1217fs (NM_001407648.1, NM_001407664.1, NM_001407665.1 and 19 more transcripts); c.3646_3650del, p.Glu1216fs (NM_001407649.1, NM_001407670.1, NM_001407671.1 and 11 more transcripts); c.3694_3698del, p.Glu1232fs (NM_001407653.1, NM_001407654.1, NM_001407655.1 and 4 more transcripts); c.3691_3695del, p.Glu1231fs (NM_001407659.1, NM_001407660.1, NM_001407661.1 and 1 more transcripts); and 41 more; short protein forms E1258fs, E1211fs, E1130fs, E1190fs, E1216fs, E1217fs, E1231fs, E1090fs.
Identifiers: ClinVar variation 431253 (VCV000431253.2), dbSNP rs1135401867, ClinGen allele CA645373173.

ClinVar aggregate classification (germline): Pathogenic. Review status: reviewed by expert panel (3 of 4 stars). 2 submissions from 2 submitters: Pathogenic (1). 1 of the submissions does not count toward it. Last evaluated 2017-12-15.

Conditions:
Hereditary breast ovarian cancer syndrome. Also called: Hereditary breast and ovarian cancer syndrome (HBOC); BRCA1- and BRCA2-Associated Hereditary Breast and Ovarian Cancer; Hereditary breast and/or ovarian cancer syndrome; Hereditary breast and ovarian cancer syndrome; Hereditary breast and ovarian cancer; Breast and ovarian cancer. Identifiers: Orphanet 145, MedGen C0677776, MeSH D061325, MONDO:0003582. Disease mechanism: loss of function.
Breast-ovarian cancer, familial, susceptibility to, 1 (BROVCA1). Also called: BRCA1 Hereditary Breast and Ovarian Cancer; OVARIAN CANCER, SUSCEPTIBILITY TO. Identifiers: Orphanet 145, MedGen C2676676, MONDO:0011450, OMIM 604370. Disease mechanism: loss of function.

Submissions (2):

Evidence-based Network for the Interpretation of Germline Mutant Alleles (ENIGMA)
Classification: Pathogenic for Breast-ovarian cancer, familial, susceptibility to, 1. Last evaluated: 2017-12-15. Review status: reviewed by expert panel. Criteria: ENIGMA BRCA1/2 Classification Criteria (2017-06-29). Collection method: curation. Allele origin: germline. Study: ENIGMA.
Comment: Variant allele predicted to encode a truncated non-functional protein.

Research Molecular Genetics Laboratory, Women's College Hospital, University of Toronto
Classification: Pathogenic for Hereditary breast ovarian cancer syndrome. Last evaluated: 2014-01-31. Review status: no assertion criteria provided. Collection method: research. Allele origin: germline. Affected: yes. Study: The Canadian Open Genetics Repository (COGR). Not counted in ClinVar's aggregate classification.